The following is an entry in ClinVar:

NM_001127898.4(CLCN5):c.299G>A (p.Arg100Gln)

Gene: CLCN5 (Cl-/H+ antiporter 5; plus strand). Cytogenetic location: Xp11.23.
Variant type: single nucleotide variant.
Coding change: c.299G>A on transcript NM_001127898.4 (MANE Select); coding-DNA position 299, G replaced by A.
Protein change: p.Arg100Gln; replaces arginine 100 with glutamine.
Molecular consequence: missense variant.
Genome position (GRCh38, 1-based): chrX:50,070,014, G>A. VCF-style: chrX-50070014-G-A. GRCh37 (hg19) VCF-style: chrX-49834669-G-A.
Other names: c.89G>A, p.Arg30Gln (NM_000084.5); c.299G>A, p.Arg100Gln (NM_001127899.4); c.149G>A, p.Arg50Gln (NM_001282163.2); short protein forms R100Q, R30Q, R50Q.
Identifiers: ClinVar variation 1930691 (VCV001930691.6), dbSNP rs782470964, ClinGen allele CA10413702.

ClinVar aggregate classification (germline): Uncertain significance. Review status: criteria provided, multiple submitters, no conflicts (2 of 4 stars). 2 submissions from 2 submitters: Uncertain significance (2). Last evaluated 2024-05-02.

Conditions:
Proteinuria, low molecular weight, with hypercalciuria and nephrocalcinosis. Identifiers: Orphanet 1652, Orphanet 93622, MedGen C1839874, MONDO:0010644, OMIM 308990.
Hypophosphatemic rickets, X-linked recessive (XLHRR). Identifiers: Orphanet 1652, Orphanet 93622, MedGen C1845168, MONDO:0010358, OMIM 300554.
Dent disease type 1 (DENT1). Also called: NEPHROLITHIASIS 2; NEPHROLITHIASIS, HYPERCALCIURIC, X-LINKED. Identifiers: Orphanet 1652, Orphanet 93622, MedGen C1848336, MONDO:0010225, OMIM 300009.
X-linked recessive nephrolithiasis with renal failure (XRN). Also called: NEPHROLITHIASIS 1; NEPHROLITHIASIS, X-LINKED RECESSIVE, TYPE 1; UROLITHIASIS, X-LINKED RECESSIVE, TYPE 1. Identifiers: Orphanet 1652, Orphanet 93622, MedGen C0403720, MONDO:0010687, OMIM 310468.

Allele frequency attached by ClinVar (database versions not stated): gnomAD exomes 0.00001; ExAC 0.00003; gnomAD 0.00005; TOPMed 0.00005.

Submissions (2):

Fulgent Genetics
Classification: Uncertain significance for Dent disease type 1; Hypophosphatemic rickets, X-linked recessive; Proteinuria, low molecular weight, with hypercalciuria and nephrocalcinosis; X-linked recessive nephrolithiasis with renal failure. Last evaluated: 2024-05-02. Review status: criteria provided, single submitter. Criteria: ACMG Guidelines, 2015. Collection method: clinical testing. Allele origin: germline.

Labcorp Genetics (formerly Invitae), Labcorp
Classification: Uncertain significance. Last evaluated: 2023-05-23. Review status: criteria provided, single submitter. Criteria: Invitae Variant Classification Sherloc (09022015). Collection method: clinical testing. Allele origin: germline.
Comment: In summary, the available evidence is currently insufficient to determine the role of this variant in disease. Therefore, it has been classified as a Variant of Uncertain Significance. An algorithm developed to predict the effect of missense changes on protein structure and function (PolyPhen-2) suggests that this variant is likely to be disruptive. ClinVar contains an entry for this variant (Variation ID: 1930691). This variant has not been reported in the literature in individuals affected with CLCN5-related conditions. The frequency data for this variant in the population databases is considered unreliable, as metrics indicate poor data quality at this position in the gnomAD database. This sequence change replaces arginine, which is basic and polar, with glutamine, which is neutral and polar, at codon 30 of the CLCN5 protein (p.Arg30Gln).